The following is an entry in ClinVar:

ClinVar aggregate classification (germline): Uncertain significance (1 of 4 stars; one submission).

Submission:

GeneDx
Classification: Uncertain significance. Last evaluated: 2021-03-29. Review status: criteria provided, single submitter. Criteria: GeneDx Variant Classification Process June 2021. Collection method: clinical testing. Allele origin: germline. Affected: yes.
Comment: Has not been previously published as pathogenic or benign to our knowledge; Not observed in large population cohorts (Lek et al., 2016); In-silico analysis, which includes splice predictors and evolutionary conservation, is inconclusive as to whether the variant alters gene splicing; in the absence of RNA/functional studies, the actual effect of this sequence change is unknown

NM_017934.7(PHIP):c.3656+3T>C

Genes: IRAK1BP1 (interleukin 1 receptor associated kinase 1 binding protein 1; plus strand), PHIP (pleckstrin homology domain interacting protein; minus strand). Cytogenetic location: 6q14.1.
Variant type: single nucleotide variant.
Coding change: c.3656+3T>C on transcript NM_017934.7 (MANE Select); 3 bases into the intron after coding-DNA position 3656, T replaced by C.
Molecular consequence: intron variant.
Genome position (GRCh38, 1-based): chr6:78,961,687, A>G on the plus strand (T>C on the coding strand, the complement: PHIP is on the minus strand). VCF-style: chr6-78961687-A-G. GRCh37 (hg19) VCF-style: chr6-79671404-A-G.
Identifiers: ClinVar variation 1314211 (VCV001314211.2), dbSNP rs2127697878, ClinGen allele CA2573052744.
Genomic context (GRCh38, chr6:78,961,687, plus strand): 5'-CAGTAAATGGGTGGAAAGATCACCAGCTTTCCTTTGATAGTAGCTACATCAAATGGTTCT[A>G]ACCTGTAAAACCTGTTTTCCAGTCTTTGTTTAATTGTACTTAGATCCGTTGGATATGCCA-3'